The following is an entry in ClinVar:

NM_001270.4(CHD1):c.336A>G (p.Gln112=)

Gene: CHD1 (chromodomain helicase DNA binding protein 1; minus strand). Cytogenetic location: 5q21.1.
Variant type: single nucleotide variant.
Coding change: c.336A>G on transcript NM_001270.4 (MANE Select); coding-DNA position 336, A replaced by G.
Protein change: p.Gln112=; no amino-acid change (glutamine 112 retained).
Molecular consequence: synonymous variant. On other transcripts: non-coding transcript variant (2).
Genome position (GRCh38, 1-based): chr5:98,903,828, T>C on the plus strand (A>G on the coding strand, the complement: CHD1 is on the minus strand). VCF-style: chr5-98903828-T-C. GRCh37 (hg19) VCF-style: chr5-98239532-T-C.
Other names: c.336A>G, p.Gln112= (NM_001364113.3, NM_001376194.2).
Identifiers: ClinVar variation 2655622 (VCV002655622.24), dbSNP rs775756184, ClinGen allele CA3356624.
Genomic context (GRCh38, chr5:98,903,828, plus strand): 5'-TAATAGCTCATGATGAAAATGCACCTCTTCTGATCCGCTATTAGATGAGGCTTGATGTTG[T>C]TGTTGCTGCTGCTGCTGTTGCTGCTTCTTGAGGATTGCAGATCTCTGAACGGCCAGAATA-3'
Protein context (NP_001261.2, residues 102-122): LKKQQQQQQQ[Gln112=]QHQASSNSGS

ClinVar aggregate classification (germline): Likely benign (1 of 4 stars; one submission).

Allele frequency attached by ClinVar (database versions not stated): ExAC 0.00001; gnomAD 0.00002; TOPMed 0.00005; gnomAD exomes 0.00009.
gnomAD v4.1: 129 of 1,613,634 alleles (0.008%); highest among the groups gnomAD compares: Non-Finnish European, 0.011%; no homozygotes.

Submission:

CeGaT Center for Human Genetics Tuebingen
Classification: Likely benign. Last evaluated: 2024-12-01. Review status: criteria provided, single submitter. Criteria: CeGaT Center For Human Genetics Tuebingen Variant Classification Criteria Version 2. Collection method: clinical testing. Allele origin: germline. Affected: yes. Observed: 2 variant alleles.
Comment: CHD1: BP4, BP7